The following continues an entry in ClinVar:

NM_007294.4(BRCA1):c.5335del (p.Gln1779fs)

Gene: BRCA1. ClinVar aggregate classification (germline): Pathogenic. Pathogenic (1).

Submissions 12 to 20 of 20:

Genome-Nilou Lab
Classification: Pathogenic for Breast-ovarian cancer, familial, susceptibility to, 1. Last evaluated: 2021-07-04. Review status: criteria provided, single submitter. Criteria: ACMG Guidelines, 2015. Collection method: clinical testing. Allele origin: germline. Inheritance: Autosomal dominant inheritance. Affected: yes. Not counted in ClinVar's aggregate classification.

Women's Health and Genetics/Laboratory Corporation of America, LabCorp
Classification: Pathogenic for Hereditary breast ovarian cancer syndrome. Last evaluated: 2016-06-06. Review status: criteria provided, single submitter. Criteria: LabCorp Variant Classification Summary - May 2015. Collection method: clinical testing. Allele origin: germline. Not counted in ClinVar's aggregate classification.
Comment: Variant summary: The BRCA1 c.5335delC (p.Gln1779Asnfs) variant results in a premature termination codon, predicted to cause a truncated or absent BRCA1 protein due to nonsense mediated decay, which are commonly known mechanisms for disease. Truncations downstream of this position have been classified as pathogenic by our laboratory (e.g. c.5387C>A, p.Ser1796X; c.5417delC, p.Pro1806fs). One in silico tool predicts a damaging outcome for this variant and this variant is absent in 121004 control chromosomes. The variant has been reported in numerous patients in the literature and databases, and has been reported as a Filipino founder mutation. In addition, multiple clinical diagnostic laboratories/reputable databases classified this variant as pathogenic. Taken together, this variant is classified as pathogenic.

Consortium of Investigators of Modifiers of BRCA1/2 (CIMBA), c/o University of Cambridge
Classification: Pathogenic for Breast-ovarian cancer, familial, susceptibility to, 1. Last evaluated: 2015-10-02. Review status: criteria provided, single submitter. Criteria: CIMBA Mutation Classification guidelines May 2016. Collection method: clinical testing. Allele origin: germline. Not counted in ClinVar's aggregate classification.

KCCC/NGS Laboratory, Kuwait Cancer Control Center
Classification: Pathogenic for Breast-ovarian cancer, familial, susceptibility to, 1. Last evaluated: 2023-05-05. Review status: no assertion criteria provided. Collection method: clinical testing. Allele origin: germline. Affected: yes. Not counted in ClinVar's aggregate classification.
Comment: A pathogenic variant was detected in this sample .This sequence change creates a premature translational stop signal (p.Gln1800fs) in the BRCA1 gene. It is expected to result in an absent or disrupted protein product. Loss-of-function variants in BRCA1 are known to be pathogenic (PMID: 20104584). The frequency data for this variant in the population databases is considered unreliable, as metrics indicate poor data quality at this position in the ExAC database. This premature translational stop signal has been observed in individual(s) with breast and ovarian cancer (PMID: 11920621, 21324516, 26187060). This variant is also known as 5398delC. ClinVar contains an entry for this variant (Variation ID: 37657). For these reasons, this variant has been classified as Pathogenic. This variant was confirmed by Sanger Sequencing. Genetics counseling is recommended

BRCAlab, Lund University
Classification: Pathogenic for Breast-ovarian cancer, familial, susceptibility to, 1. Last evaluated: 2020-03-02. Review status: no assertion criteria provided. Collection method: clinical testing. Allele origin: germline. Affected: yes. Not counted in ClinVar's aggregate classification.

Research Molecular Genetics Laboratory, Women's College Hospital, University of Toronto
Classification: Pathogenic for Hereditary breast ovarian cancer syndrome. Last evaluated: 2014-01-31. Review status: no assertion criteria provided. Collection method: research. Allele origin: germline. Affected: yes. Study: The Canadian Open Genetics Repository (COGR). Not counted in ClinVar's aggregate classification.

Sharing Clinical Reports Project (SCRP)
Classification: Pathogenic for Breast-ovarian cancer, familial 1. Last evaluated: 2011-07-28. Review status: no assertion criteria provided. Collection method: clinical testing. Allele origin: germline. Not counted in ClinVar's aggregate classification.

Breast Cancer Information Core (BIC) (BRCA1)
Classification: Pathogenic for Breast-ovarian cancer, familial 1. Last evaluated: 2002-05-29. Review status: no assertion criteria provided. Collection method: clinical testing. Allele origin: germline. Affected: yes. Observed: 5 variant alleles. Not counted in ClinVar's aggregate classification.

Department of Pathology and Laboratory Medicine, Sinai Health System
Classification: Pathogenic for Malignant tumor of breast. Review status: no assertion criteria provided. Collection method: clinical testing. Allele origin: unknown. Affected: yes. Observed: 8 variant alleles. Study: The Canadian Open Genetics Repository (COGR). Not counted in ClinVar's aggregate classification.
Comment: The p.Gln1779AsnfsX14 variant has been reported in the literature in at least 3/1352 proband chromosomes from individuals with hereditary breast and/or ovarian cancer; although no control chromosomes were tested in these particular studies to establish its frequency in the general population (Selected publications: Kuo 2012; Matsuda 2002; Ferla 2007). This variant is predicted to cause a frameshift, which alters the protein's amino acid sequence beginning at codon 1779 and leads to a premature stop codon 14 codons downstream. This alteration is predicted to lead to a truncated or absent protein and loss of function. Loss of function of the BRCA1 gene is an established disease mechanism in hereditary breast cancer patients. In summary, based on the above information, this variant is classified as Pathogenic.

Literature cited by the submitters: PubMed 20104584 (cited by 3 submitters); PubMed 11920621 (cited by 6 submitters); PubMed 28664506 (cited by 4 submitters); PubMed 32856862 (cited by Variantyx, Inc. and Quest Diagnostics Nichols Institute San Juan Capistrano); PubMed 35205313 (cited by Variantyx, Inc.); PubMed 21324516 (cited by 3 submitters); PubMed 26187060 (cited by Labcorp Genetics (formerly Invitae), Labcorp); PubMed 32375709 (cited by Rady Children's Institute for Genomic Medicine, Rady Children's Hospital San Diego); PubMed 21989022 (cited by Rady Children's Institute for Genomic Medicine, Rady Children's Hospital San Diego); PubMed 11802209 (cited by Rady Children's Institute for Genomic Medicine, Rady Children's Hospital San Diego); PubMed 24312913 (cited by Rady Children's Institute for Genomic Medicine, Rady Children's Hospital San Diego); PubMed 22277901 (cited by 4 submitters); PubMed 20579331 (cited by 3 submitters); PubMed 29937436 (cited by 3 submitters); PubMed 16267036 (cited by Women's Health and Genetics/Laboratory Corporation of America, LabCorp); PubMed 18779604 (cited by Women's Health and Genetics/Laboratory Corporation of America, LabCorp).